The following is an entry in ClinVar:

ClinVar aggregate classification (germline): Benign/Likely benign. Review status: criteria provided, multiple submitters, no conflicts (2 of 4 stars). 3 submissions from 3 submitters: Benign (1); Likely benign (2). Last evaluated 2026-05-01.

Allele frequency attached by ClinVar (database versions not stated): gnomAD 0.00038 and 0.00045; TOPMed 0.00043; gnomAD exomes 0.00053 and 0.00059; ESP Exome Variant Server 0.00055; ExAC 0.00058; 1000 Genomes Project 30x 0.00187; 1000 Genomes Project 0.00200.
gnomAD v4.1: 921 of 1,612,754 alleles (0.057%); highest among the groups gnomAD compares: South Asian, 0.16%; no homozygotes.

Submissions (3):

CeGaT Center for Human Genetics Tuebingen
Classification: Likely benign. Last evaluated: 2026-05-01. Review status: criteria provided, single submitter. Criteria: CeGaT Center For Human Genetics Tuebingen Variant Classification Criteria Version 2. Collection method: clinical testing. Allele origin: germline. Affected: yes. Observed: 9 variant alleles.
Comment: CIC: BS1

Blueprint Genetics
Classification: Likely benign. Last evaluated: 2024-10-03. Review status: criteria provided, single submitter. Criteria: ACMG Guidelines, 2015. Collection method: clinical testing. Allele origin: germline.

Labcorp Genetics (formerly Invitae), Labcorp
Classification: Benign. Last evaluated: 2018-06-08. Review status: criteria provided, single submitter. Criteria: Invitae Variant Classification Sherloc (09022015). Collection method: clinical testing. Allele origin: germline.

NM_001386298.1(CIC):c.6717G>A (p.Lys2239=)

Gene: CIC (capicua transcriptional repressor; plus strand). Cytogenetic location: 19q13.2.
Variant type: single nucleotide variant.
Coding change: c.6717G>A on transcript NM_001386298.1 (MANE Select); coding-DNA position 6717, G replaced by A.
Protein change: p.Lys2239=; no amino-acid change (lysine 2239 retained).
Molecular consequence: synonymous variant.
Genome position (GRCh38, 1-based): chr19:42,293,786, G>A. VCF-style: chr19-42293786-G-A. GRCh37 (hg19) VCF-style: chr19-42797938-G-A.
Other names: c.6717G>A, p.Lys2239= (NM_001304815.2, NM_001379482.1); c.6714G>A, p.Lys2238= (NM_001379480.1); c.3990G>A, p.Lys1330= (NM_001379484.1, NM_001379485.1, NM_015125.5).
Identifiers: ClinVar variation 742957 (VCV000742957.31), dbSNP rs147920519, ClinGen allele CA9472804.